The following is an entry in ClinVar:

ClinVar aggregate classification (germline): Uncertain significance (1 of 4 stars; one submission).

Conditions:
Hereditary cancer-predisposing syndrome. Also called: Tumor predisposition; Neoplastic Syndromes, Hereditary; Hereditary neoplastic syndrome; Hereditary Cancer Syndrome. Identifiers: Orphanet 140162, MedGen C0027672, MeSH D009386, MONDO:0015356.

Submission:

Ambry Genetics
Classification: Uncertain significance for Hereditary cancer-predisposing syndrome. Last evaluated: 2024-08-11. Review status: criteria provided, single submitter. Criteria: Ambry Variant Classification Scheme 2023. Collection method: clinical testing. Allele origin: germline.
Comment: The p.E208A variant (also known as c.623A>C), located in coding exon 3 of the XRCC2 gene, results from an A to C substitution at nucleotide position 623. The glutamic acid at codon 208 is replaced by alanine, an amino acid with dissimilar properties. This amino acid position is conserved. In addition, this alteration is predicted to be tolerated by in silico analysis. Based on the available evidence, the clinical significance of this variant remains unclear.

NM_005431.2(XRCC2):c.623A>C (p.Glu208Ala)

Gene: XRCC2 (X-ray repair cross complementing 2; minus strand). Cytogenetic location: 7q36.1.
Variant type: single nucleotide variant.
Coding change: c.623A>C on transcript NM_005431.2 (MANE Select); coding-DNA position 623, A replaced by C.
Protein change: p.Glu208Ala; replaces glutamic acid 208 with alanine.
Molecular consequence: missense variant.
Genome position (GRCh38, 1-based): chr7:152,648,862, T>G on the plus strand (A>C on the coding strand, the complement: XRCC2 is on the minus strand). VCF-style: chr7-152648862-T-G. GRCh37 (hg19) VCF-style: chr7-152345947-T-G.
Other names: short protein forms E208A.
Identifiers: ClinVar variation 3471463 (VCV003471463.1).